The following is an entry in ClinVar:

NC_000006.11:g.(?_43565413)_(43568848_?)del

Gene: POLH (DNA polymerase eta; plus strand). Cytogenetic location: 6p21.1.
Variant type: Deletion.
Identifiers: ClinVar variation 3246205 (VCV003246205.1).

ClinVar aggregate classification (germline): Pathogenic (1 of 4 stars; one submission).

Submission:

Labcorp Genetics (formerly Invitae), Labcorp
Classification: Pathogenic. Last evaluated: 2023-06-16. Review status: criteria provided, single submitter. Criteria: Invitae Variant Classification Sherloc (09022015). Collection method: clinical testing. Allele origin: unknown.
Comment: For these reasons, this variant has been classified as Pathogenic. This variant has not been reported in the literature in individuals affected with POLH-related conditions. This variant is a gross deletion of the genomic region encompassing exon(s) 5-6 of the POLH gene. This deletion is out-of-frame, and is expected to create a premature termination codon and result in an absent or disrupted protein product. Loss-of-function variants in POLH are known to be pathogenic (PMID: 11773631, 24130121, 25256075).

Literature cited by the submitters: PubMed 11773631; PubMed 24130121; PubMed 25256075.